The following is an entry in ClinVar:

ClinVar aggregate classification (germline): Likely benign. Review status: reviewed by expert panel (3 of 4 stars). 3 submissions from 3 submitters: Likely benign (1). 2 of the submissions do not count toward it. Last evaluated 2024-01-23.

Conditions:
T-B+ severe combined immunodeficiency due to JAK3 deficiency. Also called: SCID, T CELL-NEGATIVE, B CELL-POSITIVE, NK CELL-NEGATIVE; SCID, autosomal recessive, T-negative/B-positive type. Identifiers: Orphanet 35078, MedGen C1833275, MONDO:0010938, OMIM 600802.

Allele frequency attached by ClinVar (database versions not stated): gnomAD 0.00011; TOPMed 0.00011; ESP Exome Variant Server 0.00015; gnomAD exomes 0.00015; ExAC 0.00026.

Submissions (3):

ClinGen Severe Combined Immunodeficiency Variant Curation Expert Panel, ClinGen
Classification: Likely benign for T-B+ severe combined immunodeficiency due to JAK3 deficiency. Last evaluated: 2024-01-23. Review status: reviewed by expert panel. Criteria: ClinGen SCID ACMG Specifications JAK3 V1.0.0. Collection method: curation. Allele origin: germline. Inheritance: Autosomal recessive inheritance.
Comment: NM_000215.4(JAK3):c.649G>A (p.Val217Met) occurs at a very low allele frequency, with a popmax filtering allele frequency in gnomAD v2.1.1 of 0.00001607 (based on 4/99752 alleles in the non-Finnish European population) which is below the SCID VCEP established threshold of <0.000115 for PM2_Supporting; However, the highest MAF in the Ashkenazi Jewish population is 0.002786 (26/9332 alleles) which is above the SCID VCEP established threshold of >0.00100. Considering that this population does not have a higher disease prevalence, it is determined to meet BS1. Furthermore, a 01 homozygous individual from the "Other" population satisfies the BS2_Supporting criteria. In summary, this variant meets the criteria to be classified as Likely Benign for autosomal recessive T-B+ severe combined immunodeficiency due to JAK3 deficiency based on the ACMG/AMP criteria applied, as specified by the ClinGen SCID VCEP. Criteria applied: BS1 and BS2_Supporting (VCEP specifications version 1.0).

Labcorp Genetics (formerly Invitae), Labcorp
Classification: Likely benign for T-B+ severe combined immunodeficiency due to JAK3 deficiency. Last evaluated: 2025-12-24. Review status: criteria provided, single submitter. Criteria: Invitae Variant Classification Sherloc (09022015). Collection method: clinical testing. Allele origin: germline. Not counted in ClinVar's aggregate classification.

Illumina Laboratory Services, Illumina
Classification: Uncertain significance for T-B+ severe combined immunodeficiency due to JAK3 deficiency. Last evaluated: 2018-01-13. Review status: criteria provided, single submitter. Criteria: ICSL Variant Classification Criteria 13 December 2019. Collection method: clinical testing. Allele origin: germline. Not counted in ClinVar's aggregate classification.

NM_000215.4(JAK3):c.649G>A (p.Val217Met)

Gene: JAK3 (Janus kinase 3; minus strand). Cytogenetic location: 19p13.11.
Variant type: single nucleotide variant.
Coding change: c.649G>A on transcript NM_000215.4 (MANE Select); coding-DNA position 649, G replaced by A.
Protein change: p.Val217Met; replaces valine 217 with methionine.
Molecular consequence: missense variant.
Genome position (GRCh38, 1-based): chr19:17,842,528, C>T on the plus strand (G>A on the coding strand, the complement: JAK3 is on the minus strand). VCF-style: chr19-17842528-C-T. GRCh37 (hg19) VCF-style: chr19-17953337-C-T.
Other names: NM_000215.4(JAK3):c.649G>A; p.Val217Met; short protein forms V217M.
Identifiers: ClinVar variation 328518 (VCV000328518.15), dbSNP rs202167678, ClinGen allele CA9302108.